The following is an entry in ClinVar:

ClinVar aggregate classification (germline): Likely pathogenic (1 of 4 stars; one submission).

Conditions:
NEB-related disorder. Also called: NEB-related condition; NEB-Related Disorders.

Submission:

Rady Children's Institute for Genomic Medicine, Rady Children's Hospital San Diego
Classification: Likely pathogenic for NEB-Related Disorders. Last evaluated: 2023-10-02. Review status: criteria provided, single submitter. Criteria: ACMG Guidelines, 2015. Collection method: clinical testing. Allele origin: germline. Affected: yes.
Comment: This nonsense variant found in exon 150 of 182 is predicted to result in loss of normal protein function through either protein truncation or nonsense-mediated mRNA decay. Loss-of-function variation in NEB is an established mechanism of disease (PMID: 16917880). This variant has not been previously reported or functionally characterized in the literature to our knowledge. The c.22075A>T (p.Lys7359Ter) variant is absent from the gnomAD population database and thus is presumed to be rare. Based on the available evidence, c.22075A>T (p.Lys7359Ter) is classified as Likely Pathogenic.

Literature cited by the submitters: PubMed 16917880.

NM_001164508.2(NEB):c.22075A>T (p.Lys7359Ter)

Genes: NEB (nebulin; minus strand), RIF1 (replication timing regulatory factor 1; plus strand). Cytogenetic location: 2q23.3.
Variant type: single nucleotide variant.
Coding change: c.22075A>T on transcript NM_001164508.2 (MANE Select); coding-DNA position 22075, A replaced by T.
Protein change: p.Lys7359Ter; replaces lysine 7359 with a stop codon.
Molecular consequence: nonsense.
Genome position (GRCh38, 1-based): chr2:151,526,044, T>A on the plus strand (A>T on the coding strand, the complement: NEB is on the minus strand). VCF-style: chr2-151526044-T-A. GRCh37 (hg19) VCF-style: chr2-152382558-T-A.
Other names: c.22075A>T, p.Lys7359Ter (NM_001164507.2); c.22180A>T, p.Lys7394Ter (NM_001271208.2); c.16972A>T, p.Lys5658Ter (NM_004543.5); short protein forms K5658*, K7359*, K7394*.
Identifiers: ClinVar variation 3773828 (VCV003773828.1).
Genomic context (GRCh38, chr2:151,526,044, plus strand): 5'-TGACGTGAACAGTGTCCCGGGTCTCTGGTAGTGTTGTGTATGAGCCCTGTGCCAAGTGCT[T>A]CTTGACATGGTCCTTGTACTTGTTCTGGGGGAATCCATAGAGAGCTCATTAAGGCATCTG-3'